The following is an entry in ClinVar:

NM_001080397.3(SLC45A1):c.1389C>T (p.Ala463=)

Gene: SLC45A1 (solute carrier family 45 member 1; plus strand). Cytogenetic location: 1p36.23.
Variant type: single nucleotide variant.
Coding change: c.1389C>T on transcript NM_001080397.3 (MANE Select); coding-DNA position 1389, C replaced by T.
Protein change: p.Ala463=; no amino-acid change (alanine 463 retained).
Molecular consequence: synonymous variant.
Genome position (GRCh38, 1-based): chr1:8,330,882, C>T. VCF-style: chr1-8330882-C-T. GRCh37 (hg19) VCF-style: chr1-8390942-C-T.
Other names: c.1389C>T, p.Ala463= (NM_001379614.1); c.1296C>T, p.Ala432= (NM_001379615.1, NM_001379616.1); c.783C>T, p.Ala261= (NM_001379617.1, NM_001379618.1).
Identifiers: ClinVar variation 2638151 (VCV002638151.24), dbSNP rs749529510, ClinGen allele CA570371.
Genomic context (GRCh38, chr1:8,330,882, plus strand): 5'-TAAGCCGAGGTCATCAGGGATTCTGAAGAGACCTCAGACCTTGGCCATCCCGGACGCAGC[C>T]GGAGGAGGGGGTCCCGAAACCAGCAGGAGAAGGAATGTGACCTTCAGTCAGCAGGTAACA-3'
Protein context (NP_001073866.3, residues 453-473): RPQTLAIPDA[Ala463=]GGGGPETSRR

ClinVar aggregate classification (germline): Likely benign (1 of 4 stars; one submission).

Allele frequency attached by ClinVar (database versions not stated): gnomAD 0.00001; TOPMed 0.00001; ExAC 0.00002; gnomAD exomes 0.00003.
gnomAD v4.1: 38 of 1,604,268 alleles (0.0024%); highest among the groups gnomAD compares: Middle Eastern, 0.033%; no homozygotes.

Submission:

CeGaT Center for Human Genetics Tuebingen
Classification: Likely benign. Last evaluated: 2022-04-01. Review status: criteria provided, single submitter. Criteria: CeGaT Center For Human Genetics Tuebingen Variant Classification Criteria Version 2. Collection method: clinical testing. Allele origin: germline. Affected: yes. Observed: 1 variant allele.
Comment: SLC45A1: BP4, BP7